The following is an entry in ClinVar:

NM_181426.2(CCDC39):c.1875-1G>C

Gene: CCDC39 (coiled-coil domain 39 molecular ruler complex subunit; minus strand). Cytogenetic location: 3q26.33.
Variant type: single nucleotide variant.
Coding change: c.1875-1G>C on transcript NM_181426.2 (MANE Select); the canonical splice acceptor site of the intron before coding-DNA position 1875, G replaced by C.
Molecular consequence: splice acceptor variant.
Genome position (GRCh38, 1-based): chr3:180,631,593, C>G on the plus strand (G>C on the coding strand, the complement: CCDC39 is on the minus strand). VCF-style: chr3-180631593-C-G. GRCh37 (hg19) VCF-style: chr3-180349381-C-G.
Identifiers: ClinVar variation 2880957 (VCV002880957.3), dbSNP rs1300257600, ClinGen allele CA355307980.
Genomic context (GRCh38, chr3:180,631,593, plus strand): 5'-AGAATTTCATATCTATTCTTCAGCTTCTCAATTTTACTTAGCCGCTCGCGAAACTCAGTG[C>G]TAATAAGAAAAAGAAACACTGAGAAATGAATAACATACTTTACAATTTTTAAAGGACTAT-3'

ClinVar aggregate classification (germline): Likely pathogenic (1 of 4 stars; one submission).

Conditions:
Primary ciliary dyskinesia. Also called: Ciliary dyskinesia. Identifiers: Orphanet 244, MedGen C0008780, MONDO:0016575, HP:0012265.

Submission:

Labcorp Genetics (formerly Invitae), Labcorp
Classification: Likely pathogenic for Primary ciliary dyskinesia. Last evaluated: 2023-09-01. Review status: criteria provided, single submitter. Criteria: Invitae Variant Classification Sherloc (09022015). Collection method: clinical testing. Allele origin: germline.
Comment: In summary, the currently available evidence indicates that the variant is pathogenic, but additional data are needed to prove that conclusively. Therefore, this variant has been classified as Likely Pathogenic. Algorithms developed to predict the effect of sequence changes on RNA splicing suggest that this variant may disrupt the consensus splice site. This variant has not been reported in the literature in individuals affected with CCDC39-related conditions. The frequency data for this variant in the population databases is considered unreliable, as metrics indicate poor data quality at this position in the gnomAD database. This sequence change affects an acceptor splice site in intron 13 of the CCDC39 gene. It is expected to disrupt RNA splicing. Variants that disrupt the donor or acceptor splice site typically lead to a loss of protein function (PMID: 16199547), and loss-of-function variants in CCDC39 are known to be pathogenic (PMID: 21131972, 23255504).

Literature cited by the submitters: PubMed 16199547; PubMed 21131972; PubMed 23255504.